The following is an entry in ClinVar:

NM_144687.4(NLRP12):c.1124A>G (p.Tyr375Cys)

Gene: NLRP12 (NLR family pyrin domain containing 12; minus strand). Cytogenetic location: 19q13.42.
Variant type: single nucleotide variant.
Coding change: c.1124A>G on transcript NM_144687.4 (MANE Select); coding-DNA position 1124, A replaced by G.
Protein change: p.Tyr375Cys; replaces tyrosine 375 with cysteine.
Molecular consequence: missense variant.
Genome position (GRCh38, 1-based): chr19:53,810,535, T>C on the plus strand (A>G on the coding strand, the complement: NLRP12 is on the minus strand). VCF-style: chr19-53810535-T-C. GRCh37 (hg19) VCF-style: chr19-54313789-T-C.
Other names: c.1124A>G, p.Tyr375Cys (NM_001277129.1, NM_001277126.2); short protein forms Y375C.
Identifiers: ClinVar variation 452855 (VCV000452855.3), dbSNP rs1555796282, ClinGen allele CA407414746.

ClinVar aggregate classification (germline): Uncertain significance. Review status: criteria provided, multiple submitters, no conflicts (2 of 4 stars). 2 submissions from 2 submitters: Uncertain significance (2). Last evaluated 2025-05-25.

Conditions:
Familial cold autoinflammatory syndrome 2 (FCAS2). Identifiers: Orphanet 247868, MedGen C2673198, MONDO:0012724, OMIM 611762.

Allele frequency attached by ClinVar (database versions not stated): gnomAD exomes below 0.00001.
gnomAD v4.1: 4 of 1,614,162 alleles (0.00025%); highest among the groups gnomAD compares: East Asian, 0.0089%; no homozygotes.

Submissions (2):

Labcorp Genetics (formerly Invitae), Labcorp
Classification: Uncertain significance for Familial cold autoinflammatory syndrome 2. Last evaluated: 2025-05-25. Review status: criteria provided, single submitter. Criteria: Invitae Variant Classification Sherloc (09022015). Collection method: clinical testing. Allele origin: germline.
Comment: This sequence change replaces tyrosine, which is neutral and polar, with cysteine, which is neutral and slightly polar, at codon 375 of the NLRP12 protein (p.Tyr375Cys). This variant is not present in population databases (gnomAD no frequency). This variant has not been reported in the literature in individuals affected with NLRP12-related conditions. ClinVar contains an entry for this variant (Variation ID: 452855). Invitae Evidence Modeling of protein sequence and biophysical properties (such as structural, functional, and spatial information, amino acid conservation, physicochemical variation, residue mobility, and thermodynamic stability) indicates that this missense variant is not expected to disrupt NLRP12 protein function with a negative predictive value of 80%. In summary, the available evidence is currently insufficient to determine the role of this variant in disease. Therefore, it has been classified as a Variant of Uncertain Significance.

GeneDx
Classification: Uncertain significance. Last evaluated: 2017-10-30. Review status: criteria provided, single submitter. Criteria: GeneDx Variant Classification (06012015). Collection method: clinical testing. Allele origin: germline. Affected: yes.
Comment: The Y375C variant in the NLRP12 gene has not been reported previously as a pathogenic variant, nor as a benign variant, to our knowledge. The Y375C variant is not observed in large population cohorts (Lek et al., 2016). The Y375C variant is a non-conservative amino acid substitution, which is likely to impact secondary protein structure as these residues differ in polarity, charge, size and/or other properties. However, this substitution occurs at a position that is not conserved, and in silico analysis is inconsistent in its predictions as to whether or not the variant is damaging to the protein structure/function. We interpret Y375C as a variant of uncertain significance.